The following is an entry in ClinVar:

ClinVar aggregate classification (germline): Uncertain significance (1 of 4 stars; one submission).

Submission:

Labcorp Genetics (formerly Invitae), Labcorp
Classification: Uncertain significance. Last evaluated: 2022-02-06. Review status: criteria provided, single submitter. Criteria: Invitae Variant Classification Sherloc (09022015). Collection method: clinical testing. Allele origin: germline.
Comment: This sequence change replaces lysine, which is basic and polar, with asparagine, which is neutral and polar, at codon 4022 of the USH2A protein (p.Lys4022Asn). This variant also falls at the last nucleotide of exon 61, which is part of the consensus splice site for this exon. Algorithms developed to predict the effect of missense changes on protein structure and function (SIFT, PolyPhen-2, Align-GVGD) all suggest that this variant is likely to be tolerated. Variants that disrupt the consensus splice site are a relatively common cause of aberrant splicing (PMID: 17576681, 9536098). Algorithms developed to predict the effect of sequence changes on RNA splicing suggest that this variant may disrupt the consensus splice site. In summary, the available evidence is currently insufficient to determine the role of this variant in disease. Therefore, it has been classified as a Variant of Uncertain Significance. This variant is not present in population databases (gnomAD no frequency). This variant has not been reported in the literature in individuals affected with USH2A-related conditions.

Literature cited by the submitters: PubMed 17576681; PubMed 9536098.

NM_206933.4(USH2A):c.12066G>T (p.Lys4022Asn)

Gene: USH2A (usherin; minus strand). Cytogenetic location: 1q41.
Variant type: single nucleotide variant.
Coding change: c.12066G>T on transcript NM_206933.4 (MANE Select); coding-DNA position 12066, G replaced by T.
Protein change: p.Lys4022Asn; replaces lysine 4022 with asparagine.
Molecular consequence: missense variant.
Genome position (GRCh38, 1-based): chr1:215,728,030, C>A on the plus strand (G>T on the coding strand, the complement: USH2A is on the minus strand). VCF-style: chr1-215728030-C-A. GRCh37 (hg19) VCF-style: chr1-215901372-C-A.
Other names: short protein forms K4022N.
Identifiers: ClinVar variation 2094193 (VCV002094193.4), dbSNP rs958276281, ClinGen allele CA37395085.